The following is an entry in ClinVar:

NM_000051.4(ATM):c.6951_6952del (p.Lys2318fs)

Genes: ATM (ATM serine/threonine kinase; plus strand), C11orf65 (chromosome 11 open reading frame 65; minus strand). Cytogenetic location: 11q22.3.
Variant type: Deletion.
Coding change: c.6951_6952del on transcript NM_000051.4 (MANE Select); coding-DNA positions 6951 to 6952, 2 bases deleted (GA; older notation c.6951_6952delGA).
Protein change: p.Lys2318fs; shifts the reading frame from lysine 2318.
Molecular consequence: frameshift variant. On other transcripts: intron variant (2).
Genome position (GRCh38, 1-based): chr11:108,326,201-108,326,202, GA deleted; deleting any 2 consecutive bases within chr11:108,326,200-108,326,202 gives the same sequence; the c. name uses the placement nearest the transcript's 3' end. VCF-style (leftmost placement, unchanged base first): chr11-108326199-AAG-A. GRCh37 (hg19) VCF-style: chr11-108196926-AAG-A.
Other names: c.6951_6952delGA, p.Lys2318Valfs (NM_000051.3); c.6951_6952del, p.Lys2318fs (NM_001351834.2); c.641-17130_641-17129del (NM_001330368.2); c.*38+9019_*38+9020del (NM_001351110.2); short protein forms K2318fs.
Identifiers: ClinVar variation 1209849 (VCV001209849.22), dbSNP rs2136339054, ClinGen allele CA2499220700.

ClinVar aggregate classification (germline): Pathogenic/Likely pathogenic. Review status: no assertion criteria provided (0 of 4 stars). 2 submissions from 2 submitters: Pathogenic (1); Likely pathogenic (1). Last evaluated 2021-08-21.

Conditions:
Gastric cancer. Also called: Malignant tumor of stomach; Stomach cancer. Identifiers: MedGen C0024623, MeSH D013274, MONDO:0001056, OMIM 613659, HP:0012126.
Breast carcinoma. Also called: Carcinoma of breast. Identifiers: MedGen C0678222, MONDO:0004989, HP:0003002.

Submissions (2):

Medical Genetics Laboratory, Umraniye Training and Research Hospital, University of Health Sciences
Classification: Likely pathogenic for Breast carcinoma. Last evaluated: 2021-08-21. Review status: no assertion criteria provided. Collection method: clinical testing. Allele origin: germline. Inheritance: Autosomal dominant inheritance. Affected: yes. Observed: 1 variant allele, 1 heterozygote.
Comment: Invasive Breast Carcinoma grade II EST= + PRO = + HER2 = + KI = 70-80%

Laboratory for Genotyping Development, RIKEN
Classification: Pathogenic for Gastric cancer. Last evaluated: 2021-07-01. Review status: no assertion criteria provided. Collection method: research. Allele origin: germline.

Literature cited by the submitters: PubMed 36988593 (cited by Laboratory for Genotyping Development, RIKEN).